The following is an entry in ClinVar:

NM_001267550.2(TTN):c.59236G>A (p.Gly19746Ser)

Genes: TTN-AS1 (TTN antisense RNA 1; plus strand), TTN (titin; minus strand). Cytogenetic location: 2q31.2.
Variant type: single nucleotide variant.
Coding change: c.59236G>A on transcript NM_001267550.2 (MANE Select); coding-DNA position 59236, G replaced by A.
Protein change: p.Gly19746Ser; replaces glycine 19746 with serine.
Molecular consequence: missense variant.
Genome position (GRCh38, 1-based): chr2:178,592,883, C>T on the plus strand (G>A on the coding strand, the complement: TTN is on the minus strand). VCF-style: chr2-178592883-C-T. GRCh37 (hg19) VCF-style: chr2-179457610-C-T.
Other names: p.G18105S:GGT>AGT; c.54313G>A, p.Gly18105Ser (NM_001256850.1); c.32041G>A, p.Gly10681Ser (NM_003319.4); c.51532G>A, p.Gly17178Ser (NM_133378.4); c.32416G>A, p.Gly10806Ser (NM_133432.3); c.32617G>A, p.Gly10873Ser (NM_133437.4); c.59236G>A (NM_001267550.1); short protein forms G18105S, G19746S, G10681S, G17178S, G10806S, G10873S.
Identifiers: ClinVar variation 202741 (VCV000202741.34), dbSNP rs372802352, ClinGen allele CA310143.

ClinVar aggregate classification (germline): Conflicting classifications of pathogenicity. Review status: criteria provided, conflicting classifications (1 of 4 stars). 7 submissions from 7 submitters: Uncertain significance (6); Likely benign (1). Last evaluated 2026-03-18.

Conditions:
TTN-related disorder. Also called: TTN-related condition; TTN-related disease; TTN-related disorders.
Cardiovascular phenotype. Identifiers: MedGen CN230736.

Allele frequency attached by ClinVar (database versions not stated): ExAC 0.00002; gnomAD exomes 0.00004; gnomAD 0.00011 and 0.00012; TOPMed 0.00012; ESP Exome Variant Server 0.00025.
gnomAD v4.1: 52 of 1,613,296 alleles (0.0032%); highest among the groups gnomAD compares: African/African-American, 0.04%; no homozygotes.

Submissions (7):

PreventionGenetics, part of Exact Sciences
Classification: Uncertain significance for TTN-related condition. Last evaluated: 2026-03-18. Review status: criteria provided, single submitter. Criteria: ACMG Guidelines, 2015. Collection method: clinical testing. Allele origin: germline.
Comment: The TTN c.59236G>A variant is predicted to result in the amino acid substitution p.Gly19746Ser. To our knowledge, this variant has not been reported in the literature. This variant is reported in 0.045% of alleles in individuals of African descent in gnomAD. At this time, the clinical significance of this variant is uncertain due to the absence of conclusive functional and genetic evidence.

CeGaT Center for Human Genetics Tuebingen
Classification: Uncertain significance. Last evaluated: 2024-06-01. Review status: criteria provided, single submitter. Criteria: CeGaT Center For Human Genetics Tuebingen Variant Classification Criteria Version 2. Collection method: clinical testing. Allele origin: germline. Affected: yes. Observed: 1 variant allele.
Comment: TTN: PM2, BP4

Revvity Omics, Revvity
Classification: Uncertain significance. Last evaluated: 2021-11-18. Review status: criteria provided, single submitter. Criteria: ACMG Guidelines, 2015. Collection method: clinical testing. Allele origin: germline.

Athena Diagnostics
Classification: Uncertain significance. Last evaluated: 2021-07-20. Review status: criteria provided, single submitter. Criteria: Athena Diagnostics Criteria. Collection method: clinical testing. Allele origin: unknown.

GeneDx
Classification: Likely benign. Last evaluated: 2021-03-25. Review status: criteria provided, single submitter. Criteria: GeneDx Variant Classification Process June 2021. Collection method: clinical testing. Allele origin: germline. Affected: yes.

Ambry Genetics
Classification: Uncertain significance for Cardiovascular phenotype. Last evaluated: 2019-11-20. Review status: criteria provided, single submitter. Criteria: Ambry Variant Classification Scheme 2023. Collection method: clinical testing. Allele origin: germline.
Comment: The p.G10681S variant (also known as c.32041G>A), located in coding exon 127 of the TTN gene, results from a G to A substitution at nucleotide position 32041. The glycine at codon 10681 is replaced by serine, an amino acid with similar properties. This amino acid position is not well conserved in available vertebrate species. In addition, this alteration is predicted to be tolerated by in silico analysis. Since supporting evidence is limited at this time, the clinical significance of this alteration remains unclear.

Eurofins Ntd Llc (ga)
Classification: Uncertain significance. Last evaluated: 2018-08-24. Review status: criteria provided, single submitter. Criteria: EGL ClinVar v180209 classification definitions. Collection method: clinical testing. Allele origin: germline. Observed: 1 variant allele, 1 heterozygote.